The following is an entry in ClinVar:

ClinVar aggregate classification (germline): Conflicting classifications of pathogenicity. Review status: criteria provided, conflicting classifications (1 of 4 stars). 5 submissions from 5 submitters: Uncertain significance (4); Likely benign (1). Last evaluated 2025-05-28.

Conditions:
Inborn genetic diseases. Identifiers: MedGen C0950123, MeSH D030342.
Bethlem myopathy 1A. Also called: MYOPATHY, BENIGN CONGENITAL, WITH CONTRACTURES; Bethlem myopathy 1; Bethlem Muscular Dystrophy. Identifiers: Orphanet 610, MedGen CN029274, MONDO:0024530, OMIM 158810.

Allele frequency attached by ClinVar (database versions not stated): ExAC 0.00003; gnomAD exomes 0.00004 and 0.00006; gnomAD 0.00007; TOPMed 0.00007; ESP Exome Variant Server 0.00008.
gnomAD v4.1: 104 of 1,600,714 alleles (0.0065%); highest among the groups gnomAD compares: Admixed American, 0.012%; no homozygotes.

Submissions (5):

Labcorp Genetics (formerly Invitae), Labcorp
Classification: Likely benign for Bethlem myopathy 1A. Last evaluated: 2025-05-28. Review status: criteria provided, single submitter. Criteria: Invitae Variant Classification Sherloc (09022015). Collection method: clinical testing. Allele origin: germline.

GeneDx
Classification: Uncertain significance. Last evaluated: 2025-02-21. Review status: criteria provided, single submitter. Criteria: GeneDx Variant Classification Process June 2021. Collection method: clinical testing. Allele origin: germline. Affected: yes.
Comment: In silico analysis indicates that this missense variant does not alter protein structure/function; Has not been previously published as pathogenic or benign to our knowledge; This variant is associated with the following publications: (PMID: 30564623)

Revvity Omics, Revvity
Classification: Uncertain significance. Last evaluated: 2024-11-12. Review status: criteria provided, single submitter. Criteria: ACMG Guidelines, 2015. Collection method: clinical testing. Allele origin: germline.

Ambry Genetics
Classification: Uncertain significance for Inborn genetic diseases. Last evaluated: 2024-08-26. Review status: criteria provided, single submitter. Criteria: Ambry Variant Classification Scheme 2023. Collection method: clinical testing. Allele origin: germline.

Eurofins Ntd Llc (ga)
Classification: Uncertain significance. Last evaluated: 2017-06-06. Review status: criteria provided, single submitter. Criteria: EGL Classification Definitions 2015. Collection method: clinical testing. Allele origin: germline. Observed: 1 variant allele, 1 heterozygote.

NM_004369.4(COL6A3):c.4271G>A (p.Arg1424His)

Gene: COL6A3 (collagen type VI alpha 3 chain; minus strand). Cytogenetic location: 2q37.3.
Variant type: single nucleotide variant.
Coding change: c.4271G>A on transcript NM_004369.4 (MANE Select); coding-DNA position 4271, G replaced by A.
Protein change: p.Arg1424His; replaces arginine 1424 with histidine.
Molecular consequence: missense variant.
Genome position (GRCh38, 1-based): chr2:237,371,746, C>T on the plus strand (G>A on the coding strand, the complement: COL6A3 is on the minus strand). VCF-style: chr2-237371746-C-T. GRCh37 (hg19) VCF-style: chr2-238280389-C-T.
Other names: c.3050G>A, p.Arg1017His (NM_057164.5); c.3653G>A, p.Arg1218His (NM_057165.5, NM_057167.4); c.2450G>A, p.Arg817His (NM_057166.5); short protein forms R1424H, R1218H, R817H, R1017H.
Identifiers: ClinVar variation 502397 (VCV000502397.18), dbSNP rs149838946, ClinGen allele CA2188959.